The following is an entry in ClinVar:

PRRC2B-ALK fusion

Genes: ALK (ALK receptor tyrosine kinase; minus strand), PRRC2B (proline rich coiled-coil 2B; plus strand). Cytogenetic location: 9q34.13.
Variant type: Translocation.
Identifiers: ClinVar variation 1012364 (VCV001012364.6).

ClinVar aggregate classification (germline): other (1 of 4 stars; one submission).

Conditions:
epithelioid tumor of the omentum.

Submission:

Institute for Genomic Medicine (IGM) Clinical Laboratory, Nationwide Children's Hospital
Classification: other for epithelioid tumor of the omentum. Last evaluated: 2019-10-20. Review status: criteria provided, single submitter. Criteria: AMP Guidelines, 2017. Collection method: clinical testing. Allele origin: somatic. Affected: yes.
Comment: This in-frame fusion event comprises the 5-prime portion of PRRC2B with a breakpoint in exon 13 (NM_013318.3) and the 3-prime portion of ALK with a breakpoint in exon 20 (NM_004304.4). ALK functions as a receptor tyrosine kinase and fusion events typically retain the kinase domain of the protein, such as in this tumor, resulting in constitutive activation of ALK. PRRC2B is a proline-rich coiled-coil protein with unknown function, though single case reports of fusions involving the 5-prime portion of PRRC2B have been described. The PRRC2B-ALK fusion is expected to result in constitutive activation of ALK and is consistent with immunohistochemical evidence of ALK positivity (cytoplasmic) in the tumor.